The following is an entry in ClinVar:

ClinVar aggregate classification (germline): Uncertain significance (1 of 4 stars; one submission).

Submission:

Labcorp Genetics (formerly Invitae), Labcorp
Classification: Uncertain significance. Last evaluated: 2026-01-28. Review status: criteria provided, single submitter. Criteria: Invitae Variant Classification Sherloc (09022015). Collection method: clinical testing. Allele origin: germline.
Comment: This sequence change creates a premature translational stop signal (p.Leu330Tyrfs*13) in the SRP72 gene. It is expected to result in an absent or disrupted protein product. However, the current clinical and genetic evidence is not sufficient to establish whether loss-of-function variants in SRP72 cause disease. This variant is present in population databases (no rsID available, gnomAD 0.002%). This variant has not been reported in the literature in individuals affected with SRP72-related conditions. In summary, the available evidence is currently insufficient to determine the role of this variant in disease. Therefore, it has been classified as a Variant of Uncertain Significance.

NM_006947.4(SRP72):c.989del (p.Leu330fs)

Gene: SRP72 (signal recognition particle 72; plus strand). Cytogenetic location: 4q12.
Variant type: Deletion.
Coding change: c.989del on transcript NM_006947.4 (MANE Select); coding-DNA position 989, one base deleted (T; older notation c.989delT).
Protein change: p.Leu330fs; shifts the reading frame from leucine 330.
Molecular consequence: frameshift variant. On other transcripts: non-coding transcript variant (1).
Genome position (GRCh38, 1-based): chr4:56,484,767, T deleted; the last of 3 consecutive T bases (chr4:56,484,765-56,484,767); deleting any one gives the same sequence. VCF-style (leftmost placement, unchanged base first): chr4-56484764-GT-G. GRCh37 (hg19) VCF-style: chr4-57350930-GT-G.
Other names: c.806del, p.Leu269fs (NM_001267722.2); short protein forms L269fs, L330fs.
Identifiers: ClinVar variation 4736467 (VCV004736467.1).